The following is an entry in ClinVar:

ClinVar aggregate classification (germline): Uncertain significance (1 of 4 stars; one submission).

Conditions:
Inborn genetic diseases. Identifiers: MedGen C0950123, MeSH D030342.

Submission:

Ambry Genetics
Classification: Uncertain significance for Inborn genetic diseases. Last evaluated: 2024-07-02. Review status: criteria provided, single submitter. Criteria: Ambry Variant Classification Scheme 2023. Collection method: clinical testing. Allele origin: germline.
Comment: The p.L1015I variant (also known as c.3043C>A), located in coding exon 23 of the BUB1B gene, results from a C to A substitution at nucleotide position 3043. The leucine at codon 1015 is replaced by isoleucine, an amino acid with highly similar properties. This amino acid position is conserved. In addition, this alteration is predicted to be tolerated by in silico analysis. Based on the available evidence, the clinical significance of this variant remains unclear.

NM_001211.6(BUB1B):c.3043C>A (p.Leu1015Ile)

Genes: BUB1B (BUB1 mitotic checkpoint serine/threonine kinase B; plus strand), BUB1B-PAK6 (BUB1B-PAK6 readthrough; plus strand). Cytogenetic location: 15q15.1.
Variant type: single nucleotide variant.
Coding change: c.3043C>A on transcript NM_001211.6 (MANE Select); coding-DNA position 3043, C replaced by A.
Protein change: p.Leu1015Ile; replaces leucine 1015 with isoleucine.
Molecular consequence: missense variant. On other transcripts: intron variant (2).
Genome position (GRCh38, 1-based): chr15:40,220,649, C>A. VCF-style: chr15-40220649-C-A. GRCh37 (hg19) VCF-style: chr15-40512850-C-A.
Other names: c.-201+2982C>A (NM_001128628.3); c.-118+2982C>A (NM_001128629.3); short protein forms L1015I.
Identifiers: ClinVar variation 3483148 (VCV003483148.1).
Genomic context (GRCh38, chr15:40,220,649, plus strand): 5'-AAATTCTTTGTGCGGATTCTGAATGCCAATGATGAGGCCACAGTGTCTGTTCTTGGGGAG[C>A]TTGCAGCAGAAATGAATGGGGTTTTTGACACTACATTCCAAAGTCACCTGAACAAAGCCT-3'
Protein context (NP_001202.5, residues 1005-1025): DEATVSVLGE[Leu1015Ile]AAEMNGVFDT